The following is an entry in ClinVar:

NM_001195305.3(BBIP1):c.263G>A (p.Arg88Gln)

Gene: BBIP1 (BBSome interacting protein 1; minus strand). Cytogenetic location: 10q25.2.
Variant type: single nucleotide variant.
Coding change: c.263G>A on transcript NM_001195305.3 (MANE Select); coding-DNA position 263, G replaced by A.
Protein change: p.Arg88Gln; replaces arginine 88 with glutamine.
Molecular consequence: missense variant. On other transcripts: 3 prime UTR variant (1).
Genome position (GRCh38, 1-based): chr10:110,900,376, C>T on the plus strand (G>A on the coding strand, the complement: BBIP1 is on the minus strand). VCF-style: chr10-110900376-C-T. GRCh37 (hg19) VCF-style: chr10-112660134-C-T.
Other names: c.*108G>A (NM_001195304.2); c.263G>A, p.Arg88Gln (NM_001195306.2); c.188G>A, p.Arg63Gln (NM_001195307.2); c.197G>A, p.Arg66Gln (NM_001243783.3); short protein forms R63Q, R66Q, R88Q.
Identifiers: ClinVar variation 1044270 (VCV001044270.11), dbSNP rs781040735, ClinGen allele CA5689309.

ClinVar aggregate classification (germline): Uncertain significance. Review status: criteria provided, multiple submitters, no conflicts (2 of 4 stars). 3 submissions from 3 submitters: Uncertain significance (3). Last evaluated 2026-09-04.

Conditions:
BBIP1-related disorder. Also called: BBIP1-related condition.
Bardet-Biedl syndrome 18 (BBS18). Identifiers: Orphanet 110, MedGen C3806174, MONDO:0014446, OMIM 615995.

Allele frequency attached by ClinVar (database versions not stated): gnomAD 0.00003; gnomAD exomes 0.00003 and 0.00004; TOPMed 0.00003; ExAC 0.00007.

Submissions (3):

PreventionGenetics, part of Exact Sciences
Classification: Uncertain significance for BBIP1-related condition. Last evaluated: 2026-09-04. Review status: criteria provided, single submitter. Criteria: ACMG Guidelines, 2015. Collection method: clinical testing. Allele origin: germline.
Comment: The BBIP1 c.263G>A variant is predicted to result in the amino acid substitution p.Arg88Gln. To our knowledge, this variant has not been reported in the literature. This variant is reported in 0.0084% of alleles in individuals of European (Non-Finnish) descent in gnomAD. At this time, the clinical significance of this variant is uncertain due to the absence of conclusive functional and genetic evidence.

Labcorp Genetics (formerly Invitae), Labcorp
Classification: Uncertain significance. Last evaluated: 2025-10-23. Review status: criteria provided, single submitter. Criteria: Invitae Variant Classification Sherloc (09022015). Collection method: clinical testing. Allele origin: germline.
Comment: This sequence change replaces arginine, which is basic and polar, with glutamine, which is neutral and polar, at codon 88 of the BBIP1 protein (p.Arg88Gln). This variant is present in population databases (rs781040735, gnomAD 0.009%). This variant has not been reported in the literature in individuals affected with BBIP1-related conditions. ClinVar contains an entry for this variant (Variation ID: 1044270). An algorithm developed to predict the effect of missense changes on protein structure and function outputs the following: PolyPhen-2: "Benign". The glutamine amino acid residue is found in multiple mammalian species, which suggests that this missense change does not adversely affect protein function. In summary, the available evidence is currently insufficient to determine the role of this variant in disease. Therefore, it has been classified as a Variant of Uncertain Significance.

Fulgent Genetics
Classification: Uncertain significance for Bardet-Biedl syndrome 18. Last evaluated: 2022-05-02. Review status: criteria provided, single submitter. Criteria: ACMG Guidelines, 2015. Collection method: clinical testing. Allele origin: unknown.